The following is an entry in ClinVar:

NM_000096.4(CP):c.1355T>C (p.Val452Ala)

Gene: CP (ceruloplasmin; minus strand). Cytogenetic location: 3q24.
Variant type: single nucleotide variant.
Coding change: c.1355T>C on transcript NM_000096.4 (MANE Select); coding-DNA position 1355, T replaced by C.
Protein change: p.Val452Ala; replaces valine 452 with alanine.
Molecular consequence: missense variant. On other transcripts: non-coding transcript variant (1).
Genome position (GRCh38, 1-based): chr3:149,199,858, A>G on the plus strand (T>C on the coding strand, the complement: CP is on the minus strand). VCF-style: chr3-149199858-A-G. GRCh37 (hg19) VCF-style: chr3-148917645-A-G.
Other names: short protein forms V452A.
Identifiers: ClinVar variation 859266 (VCV000859266.7), dbSNP rs761433684, ClinGen allele CA2661040.

ClinVar aggregate classification (germline): Uncertain significance (1 of 4 stars; one submission).

Conditions:
Deficiency of ferroxidase (ACEP). Also called: Aceruloplasminemia; NEURODEGENERATION WITH BRAIN IRON ACCUMULATION 10; Ceruloplasmin deficiency; Familial apoceruloplasmin deficiency; Hereditary ceruloplasmin deficiency; Deficiency of ceruloplasmin. Identifiers: Orphanet 48818, MedGen C0878682, MONDO:0011426, OMIM 604290, HP:0025498.

Allele frequency attached by ClinVar (database versions not stated): TOPMed below 0.00001; gnomAD 0.00001; gnomAD exomes 0.00001; ExAC 0.00002.
gnomAD v4.1: 23 of 1,613,938 alleles (0.0014%); highest among the groups gnomAD compares: Non-Finnish European, 0.0018%; no homozygotes.

Submission:

Labcorp Genetics (formerly Invitae), Labcorp
Classification: Uncertain significance for Deficiency of ferroxidase. Last evaluated: 2019-01-18. Review status: criteria provided, single submitter. Criteria: Invitae Variant Classification Sherloc (09022015). Collection method: clinical testing. Allele origin: germline.
Comment: In summary, the available evidence is currently insufficient to determine the role of this variant in disease. Therefore, it has been classified as a Variant of Uncertain Significance. Algorithms developed to predict the effect of missense changes on protein structure and function (SIFT, PolyPhen-2, Align-GVGD) all suggest that this variant is likely to be disruptive, but these predictions have not been confirmed by published functional studies and their clinical significance is uncertain. This variant has not been reported in the literature in individuals with CP-related conditions. This variant is present in population databases (rs761433684, ExAC 0.003%). This sequence change replaces valine with alanine at codon 452 of the CP protein (p.Val452Ala). The valine residue is highly conserved and there is a small physicochemical difference between valine and alanine.